The following is an entry in ClinVar:

ClinVar aggregate classification (germline): Conflicting classifications of pathogenicity. Review status: criteria provided, conflicting classifications (1 of 4 stars). 5 submissions from 4 submitters: Pathogenic (1); Likely pathogenic (1); Uncertain significance (2). 1 of the submissions does not count toward it. Last evaluated 2025-10-06.

Conditions:
Hereditary hyperinsulinism.
Maturity-onset diabetes of the young (MODY). Also called: Maturity onset diabetes mellitus in young. Identifiers: Orphanet 552, MedGen C0342276, MONDO:0018911, HP:0004904.
Familial hyperinsulinism. Also called: Congenital hyperinsulinism. Identifiers: Orphanet 276525, MedGen C3888018, MONDO:0017182. Disease mechanism: loss of function.
Transitory neonatal diabetes mellitus. Also called: Transient neonatal diabetes mellitus. Identifiers: MedGen C0342273, MONDO:0020525, HP:0008255.
Hyperinsulinemic hypoglycemia, familial, 1 (HHF1). Also called: Persistent hyperinsulinemic hypoglycemia of infancy; NESIDIOBLASTOSIS OF PANCREAS; HYPERINSULINISM, FAMILIAL, WITH PANCREATIC NESIDIOBLASTOSIS; HYPOGLYCEMIA, HYPERINSULINEMIC, OF INFANCY; Persistent Hyperinsulinemia Hypoglycemia of Infancy. Identifiers: Orphanet 276575, Orphanet 276598, MedGen C2931832, MONDO:0009734, OMIM 256450.

Submissions (5):

Natera, Inc.
Classification: Likely pathogenic for Hereditary hyperinsulinism. Last evaluated: 2025-10-06. Review status: criteria provided, single submitter. Criteria: Natera Variant Classification Schema (03/2026). Collection method: clinical testing. Allele origin: germline.
Comment: The c.2292-1G>A variant in ABCC8 is a canonical splice acceptor site variant predicted to affect pre-mRNA splicing, which may result in an abnormal transcript and altered protein product. This variant may result in a truncated or dysfunctional protein product. This variant is rare in the general population with a frequency below the threshold expected for the associated phenotype(s). This variant has been observed in one or more individuals affected with the associated recessive disease, as either homozygous or compound heterozygous with a second variant (PMID: 8751851). Additionally, this variant has been observed to segregate in affected family members (PMID: 8751851). Given the available evidence, this variant is classified as Likely Pathogenic.

Women's Health and Genetics/Laboratory Corporation of America, LabCorp
Classification: Pathogenic for Familial hyperinsulinism. Last evaluated: 2021-03-14. Review status: criteria provided, single submitter. Criteria: LabCorp Variant Classification Summary - May 2015. Collection method: clinical testing. Allele origin: germline.
Comment: Variant summary: ABCC8 c.2292-1G>A is located in a canonical splice-site and is predicted to affect mRNA splicing resulting in a significantly altered protein due to either exon skipping, shortening, or inclusion of intronic material. Several computational tools predict a significant impact on normal splicing: Four predict the variant abolishes the canonical 3' acceptor site. Four predict the variant creates an alternate adjacent 3' acceptor site. However, to our knolwedge, these predictions have yet to be confirmed by functional studies. The variant was absent in 251424 control chromosomes. c.2292-1G>A has been reported in the literature in individuals affected with Congenital Hyperinsulinism (example, Thomas_1996, Meissner_1999, Flanagan_2009, Warncke_2016). These data indicate that the variant is likely to be associated with disease. To our knowledge, no experimental evidence demonstrating an impact on protein function has been reported. No clinical diagnostic laboratories have submitted clinical-significance assessments for this variant to ClinVar after 2014. Based on the evidence outlined above, the variant was classified as pathogenic.

Clinical Genomics, Uppaluri K&H Personalized Medicine Clinic
Classification: Uncertain significance for Transitory neonatal diabetes mellitus. Review status: criteria provided, single submitter. Criteria: K & H Uppaluri Personalized Medicine Clinic Variant Classification & Assertion Criteria_Updated V.1. Collection method: research. Allele origin: unknown. Inheritance: Somatic mutation.
Comment: Mutations in ABCC8 gene are associated with both neonatal diabetes mellitus as well as MODY. Patients with this mutation may have a better response to sulfonylureas. However, no sufficient evidence is found to ascertain the role of this particular variant (rs1564905676) in neonatal diabetes yet.

Clinical Genomics, Uppaluri K&H Personalized Medicine Clinic
Classification: Uncertain significance for Maturity-onset diabetes of the young. Review status: criteria provided, single submitter. Criteria: K & H Uppaluri Personalized Medicine Clinic Variant Classification & Assertion Criteria_Updated V.1. Collection method: research. Allele origin: unknown. Inheritance: Somatic mutation.
Comment: Mutations in ABCC8 gene are associated with both neonatal diabetes mellitus as well as MODY. Patients with this mutation may have a better response to sulfonylureas. However, no sufficient evidence is found to ascertain the role of this particular variant (rs1564905676) in MODY yet.

OMIM
Classification: Pathogenic for HYPERINSULINEMIC HYPOGLYCEMIA, FAMILIAL, 1. Last evaluated: 1996-09-01. Review status: no assertion criteria provided. Collection method: literature only. Allele origin: germline. Not counted in ClinVar's aggregate classification.

Literature cited by the submitters: PubMed 8751851 (cited by 3 submitters); PubMed 9618169 (cited by Women's Health and Genetics/Laboratory Corporation of America, LabCorp); PubMed 10334322 (cited by Women's Health and Genetics/Laboratory Corporation of America, LabCorp); PubMed 10338089 (cited by Women's Health and Genetics/Laboratory Corporation of America, LabCorp); PubMed 16416420 (cited by Women's Health and Genetics/Laboratory Corporation of America, LabCorp); PubMed 10685980 (cited by Women's Health and Genetics/Laboratory Corporation of America, LabCorp); PubMed 10194514 (cited by Women's Health and Genetics/Laboratory Corporation of America, LabCorp); PubMed 18767144 (cited by Women's Health and Genetics/Laboratory Corporation of America, LabCorp); PubMed 27682711 (cited by Women's Health and Genetics/Laboratory Corporation of America, LabCorp); PubMed 16885549 (cited by Clinical Genomics, Uppaluri K&H Personalized Medicine Clinic); PubMed 21989597 (cited by Clinical Genomics, Uppaluri K&H Personalized Medicine Clinic); PubMed 27538677 (cited by Clinical Genomics, Uppaluri K&H Personalized Medicine Clinic); PubMed 18981553 (cited by Clinical Genomics, Uppaluri K&H Personalized Medicine Clinic); PubMed 32027066 (cited by Clinical Genomics, Uppaluri K&H Personalized Medicine Clinic); PubMed 16613899 (cited by Clinical Genomics, Uppaluri K&H Personalized Medicine Clinic); PubMed 18025408 (cited by Clinical Genomics, Uppaluri K&H Personalized Medicine Clinic); PubMed 32792356 (cited by Clinical Genomics, Uppaluri K&H Personalized Medicine Clinic).

NM_000352.6(ABCC8):c.2292-1G>A

Genes: ABCC8 (ATP binding cassette subfamily C member 8; minus strand), LOC110121471 (VISTA enhancer hs1977; plus strand). Cytogenetic location: 11p15.1.
Variant type: single nucleotide variant.
Coding change: c.2292-1G>A on transcript NM_000352.6 (MANE Select); the canonical splice acceptor site of the intron before coding-DNA position 2292, G replaced by A.
Molecular consequence: splice acceptor variant.
Genome position (GRCh38, 1-based): chr11:17,414,611, C>T on the plus strand (G>A on the coding strand, the complement: ABCC8 is on the minus strand). VCF-style: chr11-17414611-C-T. GRCh37 (hg19) VCF-style: chr11-17436158-C-T.
Other names: IVS, G-A, -1; c.2289-1G>A (NM_001351297.2); c.2292-1G>A (NM_001351296.2); c.2358-1G>A (NM_001351295.2); c.2295-1G>A (NM_001287174.3).
Identifiers: ClinVar variation 9090 (VCV000009090.5), dbSNP rs1564905676, ClinGen allele CA379809823.